The following is an entry in ClinVar:

ClinVar aggregate classification (germline): Pathogenic (1 of 4 stars; one submission).

Conditions:
Neurofibromatosis, type 1 (NF1). Also called: NEUROFIBROMATOSIS, TYPE I, SOMATIC; Neurofibromatosis, type I; Peripheral type neurofibromatosis; VON RECKLINGHAUSEN DISEASE. Identifiers: Orphanet 636, MedGen C0027831, MONDO:0018975, OMIM 162200. Disease mechanism: loss of function.

Submission:

Labcorp Genetics (formerly Invitae), Labcorp
Classification: Pathogenic for Neurofibromatosis, type 1. Last evaluated: 2022-08-04. Review status: criteria provided, single submitter. Criteria: Invitae Variant Classification Sherloc (09022015). Collection method: clinical testing. Allele origin: germline.
Comment: This variant is not present in population databases (gnomAD no frequency). For these reasons, this variant has been classified as Pathogenic. This variant has not been reported in the literature in individuals affected with NF1-related conditions. This sequence change creates a premature translational stop signal (p.Lys395Argfs*17) in the NF1 gene. It is expected to result in an absent or disrupted protein product. Loss-of-function variants in NF1 are known to be pathogenic (PMID: 10712197, 23913538).

Literature cited by the submitters: PubMed 10712197; PubMed 23913538.

NM_001042492.3(NF1):c.1184del (p.Lys395fs)

Gene: NF1 (neurofibromin 1; plus strand). Cytogenetic location: 17q11.2.
Variant type: Deletion.
Coding change: c.1184del on transcript NM_001042492.3 (MANE Select); coding-DNA position 1184, one base deleted (A; older notation c.1184delA).
Protein change: p.Lys395fs; shifts the reading frame from lysine 395.
Molecular consequence: frameshift variant.
Genome position (GRCh38, 1-based): chr17:31,201,158, A deleted; the last of 2 consecutive A bases (chr17:31,201,157-31,201,158); deleting either gives the same sequence. VCF-style (leftmost placement, unchanged base first): chr17-31201156-TA-T. GRCh37 (hg19) VCF-style: chr17-29528174-TA-T.
Other names: c.1184delA, p.Lys395Argfs (NM_000267.4); c.1184del, p.Lys395fs (NM_001128147.3); short protein forms K395fs.
Identifiers: ClinVar variation 2021396 (VCV002021396.4), dbSNP rs2544797555, ClinGen allele CA2580092939.